The following is an entry in ClinVar:

NM_014391.3(ANKRD1):c.257A>G (p.Asp86Gly)

Gene: ANKRD1 (ankyrin repeat domain 1; minus strand). Cytogenetic location: 10q23.31.
Variant type: single nucleotide variant.
Coding change: c.257A>G on transcript NM_014391.3 (MANE Select); coding-DNA position 257, A replaced by G.
Protein change: p.Asp86Gly; replaces aspartic acid 86 with glycine.
Molecular consequence: missense variant.
Genome position (GRCh38, 1-based): chr10:90,919,219, T>C on the plus strand (A>G on the coding strand, the complement: ANKRD1 is on the minus strand). VCF-style: chr10-90919219-T-C. GRCh37 (hg19) VCF-style: chr10-92678976-T-C.
Other names: short protein forms D86G.
Identifiers: ClinVar variation 4798333 (VCV004798333.1).

ClinVar aggregate classification (germline): Uncertain significance (1 of 4 stars; one submission).

Conditions:
ANKRD1-related dilated cardiomyopathy. Identifiers: MedGen CN119551.

gnomAD v4.1: 1 of 1,610,244 alleles (0.000062%); highest among the groups gnomAD compares: Non-Finnish European, 0.000085%; no homozygotes.

Submission:

Labcorp Genetics (formerly Invitae), Labcorp
Classification: Uncertain significance for ANKRD1-related dilated cardiomyopathy. Last evaluated: 2025-02-13. Review status: criteria provided, single submitter. Criteria: Invitae Variant Classification Sherloc (09022015). Collection method: clinical testing. Allele origin: germline.
Comment: This sequence change replaces aspartic acid, which is acidic and polar, with glycine, which is neutral and non-polar, at codon 86 of the ANKRD1 protein (p.Asp86Gly). This variant is present in population databases (rs759101459, gnomAD 0.0009%). This variant has not been reported in the literature in individuals affected with ANKRD1-related conditions. Invitae Evidence Modeling of protein sequence and biophysical properties (such as structural, functional, and spatial information, amino acid conservation, physicochemical variation, residue mobility, and thermodynamic stability) indicates that this missense variant is not expected to disrupt ANKRD1 protein function with a negative predictive value of 80%. Algorithms developed to predict the effect of sequence changes on RNA splicing suggest that this variant may disrupt the consensus splice site. In summary, the available evidence is currently insufficient to determine the role of this variant in disease. Therefore, it has been classified as a Variant of Uncertain Significance.